The following is an entry in ClinVar:

ClinVar aggregate classification (germline): Uncertain significance (1 of 4 stars; one submission).

Allele frequency attached by ClinVar (database versions not stated): gnomAD exomes below 0.00001; gnomAD 0.00001; TOPMed 0.00001.
gnomAD v4.1: 7 of 1,614,074 alleles (0.00043%); highest among the groups gnomAD compares: Admixed American, 0.005%; no homozygotes.

Submission:

Labcorp Genetics (formerly Invitae), Labcorp
Classification: Uncertain significance. Last evaluated: 2024-09-19. Review status: criteria provided, single submitter. Criteria: Invitae Variant Classification Sherloc (09022015). Collection method: clinical testing. Allele origin: germline.
Comment: This sequence change replaces glutamine, which is neutral and polar, with lysine, which is basic and polar, at codon 703 of the NIN protein (p.Gln703Lys). This variant is not present in population databases (gnomAD no frequency). This variant has not been reported in the literature in individuals affected with NIN-related conditions. An algorithm developed to predict the effect of missense changes on protein structure and function (PolyPhen-2) suggests that this variant is likely to be tolerated. In summary, the available evidence is currently insufficient to determine the role of this variant in disease. Therefore, it has been classified as a Variant of Uncertain Significance.

NM_020921.4(NIN):c.2107C>A (p.Gln703Lys)

Gene: NIN (ninein; minus strand). Cytogenetic location: 14q22.1.
Variant type: single nucleotide variant.
Coding change: c.2107C>A on transcript NM_020921.4 (MANE Select); coding-DNA position 2107, C replaced by A.
Protein change: p.Gln703Lys; replaces glutamine 703 with lysine.
Molecular consequence: missense variant.
Genome position (GRCh38, 1-based): chr14:50,760,149, G>T on the plus strand (C>A on the coding strand, the complement: NIN is on the minus strand). VCF-style: chr14-50760149-G-T. GRCh37 (hg19) VCF-style: chr14-51226867-G-T.
Other names: c.2107C>A, p.Gln703Lys (NM_016350.5, NM_182944.3, NM_182946.2); short protein forms Q703K.
Identifiers: ClinVar variation 2717826 (VCV002717826.3), dbSNP rs1014334544, ClinGen allele CA260832602.